The following is an entry in ClinVar:

NM_001014437.3(CARS1):c.1509C>T (p.Ala503=)

Gene: CARS1 (cysteinyl-tRNA synthetase 1; minus strand). Cytogenetic location: 11p15.4.
Variant type: single nucleotide variant.
Coding change: c.1509C>T on transcript NM_001014437.3 (MANE Select); coding-DNA position 1509, C replaced by T.
Protein change: p.Ala503=; no amino-acid change (alanine 503 retained).
Molecular consequence: synonymous variant. On other transcripts: non-coding transcript variant (1).
Genome position (GRCh38, 1-based): chr11:3,018,636, G>A on the plus strand (C>T on the coding strand, the complement: CARS1 is on the minus strand). VCF-style: chr11-3018636-G-A. GRCh37 (hg19) VCF-style: chr11-3039866-G-A.
Other names: c.1509C>T, p.Ala503= (NM_001194997.2); c.1260C>T, p.Ala420= (NM_001751.6, NM_139273.4).
Identifiers: ClinVar variation 717981 (VCV000717981.29), dbSNP rs80041195, ClinGen allele CA5823989.

ClinVar aggregate classification (germline): Benign/Likely benign. Review status: criteria provided, multiple submitters, no conflicts (2 of 4 stars). 4 submissions from 4 submitters: Benign (2); Likely benign (2). Last evaluated 2026-07-01.

Conditions:
CARS1-related disorder. Also called: CARS1-related condition.

Allele frequency attached by ClinVar (database versions not stated): gnomAD exomes 0.00263 and 0.00244; ExAC 0.00271; 1000 Genomes Project 0.00120; 1000 Genomes Project 30x 0.00141; TOPMed 0.00202; gnomAD 0.00222 and 0.00237; ESP Exome Variant Server 0.00231.
gnomAD v4.1: 4,162 of 1,614,232 alleles (0.26%); highest among the groups gnomAD compares: Middle Eastern, 0.46%; 8 homozygotes.

Submissions (4):

CeGaT Center for Human Genetics Tuebingen
Classification: Likely benign. Last evaluated: 2026-07-01. Review status: criteria provided, single submitter. Criteria: CeGaT Center For Human Genetics Tuebingen Variant Classification Criteria Version 2. Collection method: clinical testing. Allele origin: germline. Affected: yes. Observed: 8 variant alleles.
Comment: CARS1: BP4, BP7

PreventionGenetics, part of Exact Sciences
Classification: Likely benign for CARS1-related condition. Last evaluated: 2025-12-16. Review status: criteria provided, single submitter. Criteria: ACMG Guidelines, 2015. Collection method: clinical testing. Allele origin: germline.
Comment: This variant is classified as likely benign based on ACMG/AMP sequence variant interpretation guidelines (Richards et al. 2015 PMID: 25741868, with internal and published modifications).

Labcorp Genetics (formerly Invitae), Labcorp
Classification: Benign. Last evaluated: 2018-05-22. Review status: criteria provided, single submitter. Criteria: Invitae Variant Classification Sherloc (09022015). Collection method: clinical testing. Allele origin: germline.

Breakthrough Genomics
Classification: Benign. Review status: criteria provided, single submitter. Criteria: ACMG Guidelines, 2015. Collection method: not provided. Allele origin: germline. Inheritance: Autosomal recessive inheritance. Affected: yes.